The following is an entry in ClinVar:

NM_000393.5(COL5A2):c.2255C>T (p.Pro752Leu)

Gene: COL5A2 (collagen type V alpha 2 chain; minus strand). Cytogenetic location: 2q32.2.
Variant type: single nucleotide variant.
Coding change: c.2255C>T on transcript NM_000393.5 (MANE Select); coding-DNA position 2255, C replaced by T.
Protein change: p.Pro752Leu; replaces proline 752 with leucine.
Molecular consequence: missense variant.
Genome position (GRCh38, 1-based): chr2:189,057,402, G>A on the plus strand (C>T on the coding strand, the complement: COL5A2 is on the minus strand). VCF-style: chr2-189057402-G-A. GRCh37 (hg19) VCF-style: chr2-189922128-G-A.
Other names: short protein forms P752L.
Identifiers: ClinVar variation 4842227 (VCV004842227.1).
Genomic context (GRCh38, chr2:189,057,402, plus strand): 5'-GTTCCTGCAATTCCTCTTTCTCCCGGCATACCTTGAAGACCTGGTGGGCCTGTATCTCCA[G>A]GGGTCCCAGATGGACCTGGACTGCCCTAAAATGAACCAACATTAAGTGACCATACCAATA-3'
Protein context (NP_000384.2, residues 742-762): PKGSPGPSGT[Pro752Leu]GDTGPPGLQG

ClinVar aggregate classification (germline): Uncertain significance (1 of 4 stars; one submission).

Conditions:
Familial thoracic aortic aneurysm and aortic dissection (TAAD). Also called: Thoracic aortic aneurysms and dissections. Identifiers: Orphanet 91387, MedGen C4707243, MONDO:0019625.

gnomAD v4.1: 2 of 1,613,272 alleles (0.00012%); highest among the groups gnomAD compares: Admixed American, 0.0017%; no homozygotes.

Submission:

Ambry Genetics
Classification: Uncertain significance for Familial thoracic aortic aneurysm and aortic dissection. Last evaluated: 2025-12-24. Review status: criteria provided, single submitter. Criteria: Ambry Variant Classification Scheme 2023. Collection method: clinical testing. Allele origin: germline.
Comment: The p.P752L variant (also known as c.2255C>T), located in coding exon 34 of the COL5A2 gene, results from a C to T substitution at nucleotide position 2255. The proline at codon 752 is replaced by leucine, an amino acid with similar properties. This amino acid position is conserved. In addition, this alteration is predicted to be tolerated by in silico analysis. Based on the available evidence, the clinical significance of this variant remains unclear.